The following is an entry in ClinVar:

NM_006767.4(LZTR1):c.*9G>A

Gene: LZTR1 (leucine zipper like transcription regulator 1; plus strand). Cytogenetic location: 22q11.21.
Variant type: single nucleotide variant.
Coding change: c.*9G>A on transcript NM_006767.4 (MANE Select); 9 bases downstream of the stop codon, G replaced by A.
Molecular consequence: 3 prime UTR variant.
Genome position (GRCh38, 1-based): chr22:20,997,357, G>A. VCF-style: chr22-20997357-G-A. GRCh37 (hg19) VCF-style: chr22-21351646-G-A.
Identifiers: ClinVar variation 987785 (VCV000987785.2), dbSNP rs371599187, ClinGen allele CA10119490.
Genomic context (GRCh38, chr22:20,997,357, plus strand): 5'-GGCCTCCCACATCTCAGACAAGCAGTGCGCAGAGCTGGGCGCCGACATCTGAGGCCCTGT[G>A]GCGCCTGCCCATTGTGAAGAATCGCCGTGCCTGCCTGCCCTGCCTACTGAGAAGACTACC-3'

ClinVar aggregate classification (germline): Benign (1 of 4 stars; one submission).

Allele frequency attached by ClinVar (database versions not stated): gnomAD 0.00009; ESP Exome Variant Server 0.00008; TOPMed 0.00013; ExAC 0.00003; gnomAD exomes 0.00006.
gnomAD v4.1: 175 of 1,595,566 alleles (0.011%); highest among the groups gnomAD compares: Non-Finnish European, 0.013%; no homozygotes.

Submission:

Women's Health and Genetics/Laboratory Corporation of America, LabCorp
Classification: Benign. Last evaluated: 2022-05-09. Review status: criteria provided, single submitter. Criteria: LabCorp Variant Classification Summary - May 2015. Collection method: clinical testing. Allele origin: germline.
Comment: Variant summary: LZTR1 c.*9G>A alters a non-conserved nucleotide located in the untranslated mRNA region downstream of the termination codon. The variant allele was found at a frequency of 5.6e-05 in 249194 control chromosomes. The observed variant frequency is approximately 11 fold of the estimated maximal expected allele frequency for a pathogenic variant in LZTR1 causing Noonan Syndrome phenotype (5e-06), strongly suggesting that the variant is benign. To our knowledge, no occurrence of c.*9G>A in individuals affected with Noonan Syndrome and no experimental evidence demonstrating its impact on protein function have been reported. No clinical diagnostic laboratories have submitted clinical-significance assessments for this variant to ClinVar after 2014. Based on the evidence outlined above, the variant was classified as benign.